The following is an entry in ClinVar:

ClinVar aggregate classification (germline): Likely benign. Review status: criteria provided, multiple submitters, no conflicts (2 of 4 stars). 2 submissions from 2 submitters: Likely benign (2). Last evaluated 2024-12-31.

Conditions:
Aortic aneurysm, familial thoracic 7 (AAT7). Also called: AORTIC DISSECTION, FAMILIAL, WITH OR WITHOUT AORTIC ANEURYSM. Identifiers: MedGen C3151077, MONDO:0013418, OMIM 613780.

Submissions (2):

Labcorp Genetics (formerly Invitae), Labcorp
Classification: Likely benign for Aortic aneurysm, familial thoracic 7. Last evaluated: 2024-12-31. Review status: criteria provided, single submitter. Criteria: Invitae Variant Classification Sherloc (09022015). Collection method: clinical testing. Allele origin: germline.

GeneDx
Classification: Likely benign. Last evaluated: 2017-01-16. Review status: criteria provided, single submitter. Criteria: GeneDx Variant Classification (06012015). Collection method: clinical testing. Allele origin: germline. Affected: yes.
Comment: This variant is considered likely benign or benign based on one or more of the following criteria: it is a conservative change, it occurs at a poorly conserved position in the protein, it is predicted to be benign by multiple in silico algorithms, and/or has population frequency not consistent with disease.

NM_053025.4(MYLK):c.2462+7G>A

Gene: MYLK (myosin light chain kinase; minus strand). Cytogenetic location: 3q21.1.
Variant type: single nucleotide variant.
Coding change: c.2462+7G>A on transcript NM_053025.4 (MANE Select); 7 bases into the intron after coding-DNA position 2462, G replaced by A.
Molecular consequence: intron variant.
Genome position (GRCh38, 1-based): chr3:123,701,431, C>T on the plus strand (G>A on the coding strand, the complement: MYLK is on the minus strand). VCF-style: chr3-123701431-C-T. GRCh37 (hg19) VCF-style: chr3-123420278-C-T.
Other names: c.1934+7G>A (NM_001321309.2); c.2255+7G>A (NM_053028.4, NM_053026.4); c.2462+7G>A (NM_053027.4).
Identifiers: ClinVar variation 392777 (VCV000392777.4), dbSNP rs1057524626, ClinGen allele CA16604441.